The following is an entry in ClinVar:

NM_000057.4(BLM):c.3254T>G (p.Val1085Gly)

Gene: BLM (BLM RecQ like helicase; plus strand). Cytogenetic location: 15q26.1.
Variant type: single nucleotide variant.
Coding change: c.3254T>G on transcript NM_000057.4 (MANE Select); coding-DNA position 3254, T replaced by G.
Protein change: p.Val1085Gly; replaces valine 1085 with glycine.
Molecular consequence: missense variant.
Genome position (GRCh38, 1-based): chr15:90,798,233, T>G. VCF-style: chr15-90798233-T-G. GRCh37 (hg19) VCF-style: chr15-91341463-T-G.
Other names: c.3254T>G, p.Val1085Gly (NM_001287246.2, NM_001287247.2); c.2129T>G, p.Val710Gly (NM_001287248.2); short protein forms V1085G, V710G.
Identifiers: ClinVar variation 1348551 (VCV001348551.11), dbSNP rs2151190324, ClinGen allele CA393847192.

ClinVar aggregate classification (germline): Uncertain significance. Review status: criteria provided, multiple submitters, no conflicts (2 of 4 stars). 2 submissions from 2 submitters: Uncertain significance (2). Last evaluated 2024-12-12.

Conditions:
Hereditary cancer-predisposing syndrome. Also called: Hereditary neoplastic syndrome; Tumor predisposition; Neoplastic Syndromes, Hereditary; Hereditary Cancer Syndrome. Identifiers: Orphanet 140162, MedGen C0027672, MeSH D009386, MONDO:0015356.
Bloom syndrome (BLM). Also called: Bloom-Torre-Machacek syndrome. Identifiers: Orphanet 125, MedGen C0005859, MONDO:0008876, OMIM 210900.

Submissions (2):

Labcorp Genetics (formerly Invitae), Labcorp
Classification: Uncertain significance for Bloom syndrome. Last evaluated: 2024-12-12. Review status: criteria provided, single submitter. Criteria: Invitae Variant Classification Sherloc (09022015). Collection method: clinical testing. Allele origin: germline.
Comment: This sequence change replaces valine, which is neutral and non-polar, with glycine, which is neutral and non-polar, at codon 1085 of the BLM protein (p.Val1085Gly). This variant is not present in population databases (gnomAD no frequency). This variant has not been reported in the literature in individuals affected with BLM-related conditions. ClinVar contains an entry for this variant (Variation ID: 1348551). Invitae Evidence Modeling of protein sequence and biophysical properties (such as structural, functional, and spatial information, amino acid conservation, physicochemical variation, residue mobility, and thermodynamic stability) indicates that this missense variant is not expected to disrupt BLM protein function with a negative predictive value of 80%. In summary, the available evidence is currently insufficient to determine the role of this variant in disease. Therefore, it has been classified as a Variant of Uncertain Significance.

Ambry Genetics
Classification: Uncertain significance for Hereditary cancer-predisposing syndrome. Last evaluated: 2024-07-05. Review status: criteria provided, single submitter. Criteria: Ambry Variant Classification Scheme 2023. Collection method: clinical testing. Allele origin: germline.
Comment: The p.V1085G variant (also known as c.3254T>G), located in coding exon 16 of the BLM gene, results from a T to G substitution at nucleotide position 3254. The valine at codon 1085 is replaced by glycine, an amino acid with dissimilar properties. This amino acid position is conserved. In addition, the in silico prediction for this alteration is inconclusive. Since supporting evidence is limited at this time, the clinical significance of this alteration remains unclear.